The following is an entry in ClinVar:

ClinVar aggregate classification (germline): Uncertain significance (1 of 4 stars; one submission).

Submission:

Labcorp Genetics (formerly Invitae), Labcorp
Classification: Uncertain significance. Last evaluated: 2023-06-14. Review status: criteria provided, single submitter. Criteria: Invitae Variant Classification Sherloc (09022015). Collection method: clinical testing. Allele origin: germline.
Comment: This sequence change replaces methionine, which is neutral and non-polar, with threonine, which is neutral and polar, at codon 203 of the JAK1 protein (p.Met203Thr). This variant is not present in population databases (gnomAD no frequency). This variant has not been reported in the literature in individuals affected with JAK1-related conditions. Advanced modeling of protein sequence and biophysical properties (such as structural, functional, and spatial information, amino acid conservation, physicochemical variation, residue mobility, and thermodynamic stability) has been performed at Invitae for this missense variant, however the output from this modeling did not meet the statistical confidence thresholds required to predict the impact of this variant on JAK1 protein function. In summary, the available evidence is currently insufficient to determine the role of this variant in disease. Therefore, it has been classified as a Variant of Uncertain Significance.

NM_002227.4(JAK1):c.608T>C (p.Met203Thr)

Gene: JAK1 (Janus kinase 1; minus strand). Cytogenetic location: 1p31.3.
Variant type: single nucleotide variant.
Coding change: c.608T>C on transcript NM_002227.4 (MANE Select); coding-DNA position 608, T replaced by C.
Protein change: p.Met203Thr; replaces methionine 203 with threonine.
Molecular consequence: missense variant.
Genome position (GRCh38, 1-based): chr1:64,869,350, A>G on the plus strand (T>C on the coding strand, the complement: JAK1 is on the minus strand). VCF-style: chr1-64869350-A-G. GRCh37 (hg19) VCF-style: chr1-65335033-A-G.
Other names: c.608T>C, p.Met203Thr (NM_001320923.2, NM_001321852.2, NM_001321853.2 and 4 more transcripts); short protein forms M203T.
Identifiers: ClinVar variation 2715340 (VCV002715340.3), dbSNP rs2522964780, ClinGen allele CA340676838.